The following is an entry in ClinVar:

NM_001145715.3(KPNA7):c.1076A>G (p.His359Arg)

Gene: KPNA7 (karyopherin subunit alpha 7; minus strand). Cytogenetic location: 7q22.1.
Variant type: single nucleotide variant.
Coding change: c.1076A>G on transcript NM_001145715.3 (MANE Select); coding-DNA position 1076, A replaced by G.
Protein change: p.His359Arg; replaces histidine 359 with arginine.
Molecular consequence: missense variant.
Genome position (GRCh38, 1-based): chr7:99,184,987, T>C on the plus strand (A>G on the coding strand, the complement: KPNA7 is on the minus strand). VCF-style: chr7-99184987-T-C. GRCh37 (hg19) VCF-style: chr7-98782610-T-C.
Other names: short protein forms H359R.
Identifiers: ClinVar variation 1387678 (VCV001387678.6), dbSNP rs2150724949, ClinGen allele CA368419180.

ClinVar aggregate classification (germline): Uncertain significance (1 of 4 stars; one submission).

Submission:

Labcorp Genetics (formerly Invitae), Labcorp
Classification: Uncertain significance. Last evaluated: 2022-08-23. Review status: criteria provided, single submitter. Criteria: Invitae Variant Classification Sherloc (09022015). Collection method: clinical testing. Allele origin: germline.
Comment: This variant is not present in population databases (gnomAD no frequency). This sequence change replaces histidine, which is basic and polar, with arginine, which is basic and polar, at codon 359 of the KPNA7 protein (p.His359Arg). This variant has not been reported in the literature in individuals affected with KPNA7-related conditions. ClinVar contains an entry for this variant (Variation ID: 1387678). Algorithms developed to predict the effect of missense changes on protein structure and function are either unavailable or do not agree on the potential impact of this missense change (SIFT: "Tolerated"; PolyPhen-2: "Possibly Damaging"; Align-GVGD: "Class C0"). In summary, the available evidence is currently insufficient to determine the role of this variant in disease. Therefore, it has been classified as a Variant of Uncertain Significance.